The following is an entry in ClinVar:

ClinVar aggregate classification (germline): Uncertain significance. Review status: criteria provided, multiple submitters, no conflicts (2 of 4 stars). 3 submissions from 3 submitters: Uncertain significance (3). Last evaluated 2026-03-30.

Conditions:
Orofaciodigital syndrome type 6 (OFD6). Also called: OROFACIODIGITAL SYNDROME VI; OFDS VI; POLYDACTYLY, CLEFT LIP/PALATE OR LINGUAL LUMP, AND PSYCHOMOTOR RETARDATION; VARADI SYNDROME; VARADI-PAPP SYNDROME; Oral-facial-digital syndrome type 6. Identifiers: Orphanet 2754, MedGen C2745997, MONDO:0010176, OMIM 277170.
Joubert syndrome 17 (JBTS17). Identifiers: Orphanet 475, MedGen C3553264, MONDO:0013824, OMIM 614615.

Allele frequency attached by ClinVar (database versions not stated): ExAC 0.00003; gnomAD exomes 0.00005 and 0.00008; gnomAD 0.00006; TOPMed 0.00006; ESP Exome Variant Server 0.00008.
gnomAD v4.1: 124 of 1,613,702 alleles (0.0077%); highest among the groups gnomAD compares: Middle Eastern, 0.033%; no homozygotes.

Submissions (3):

Women's Health and Genetics/Laboratory Corporation of America, LabCorp
Classification: Uncertain significance. Last evaluated: 2026-03-30. Review status: criteria provided, single submitter. Criteria: LabCorp Variant Classification Summary - May 2015. Collection method: clinical testing. Allele origin: germline.
Comment: Variant summary: CPLANE1 c.7886C>T (p.Ser2629Leu) results in a non-conservative amino acid change in the encoded protein sequence. Algorithms developed to predict the effect of missense changes on protein structure and function are either unavailable or do not agree on the potential impact of this missense change. The variant allele was found at a frequency of 7.7e-05 in 1613702 control chromosomes. This frequency is not significantly higher than estimated for disease-causing variants in CPLANE1, allowing no conclusion about variant significance. To our knowledge, no occurrence of c.7886C>T in individuals affected with CPLANE1-related conditions and no experimental evidence demonstrating its impact on protein function have been reported. ClinVar contains an entry for this variant (Variation ID: 1505207). Based on the evidence outlined above, the variant was classified as uncertain significance.

Labcorp Genetics (formerly Invitae), Labcorp
Classification: Uncertain significance. Last evaluated: 2022-08-23. Review status: criteria provided, single submitter. Criteria: Invitae Variant Classification Sherloc (09022015). Collection method: clinical testing. Allele origin: germline.
Comment: This sequence change replaces serine, which is neutral and polar, with leucine, which is neutral and non-polar, at codon 2629 of the CPLANE1 protein (p.Ser2629Leu). This variant is present in population databases (rs202140926, gnomAD 0.01%). This variant has not been reported in the literature in individuals affected with CPLANE1-related conditions. ClinVar contains an entry for this variant (Variation ID: 1505207). Advanced modeling of protein sequence and biophysical properties (such as structural, functional, and spatial information, amino acid conservation, physicochemical variation, residue mobility, and thermodynamic stability) performed at Invitae indicates that this missense variant is not expected to disrupt CPLANE1 protein function. In summary, the available evidence is currently insufficient to determine the role of this variant in disease. Therefore, it has been classified as a Variant of Uncertain Significance.

Fulgent Genetics
Classification: Uncertain significance for Orofaciodigital syndrome type 6; Joubert syndrome 17. Last evaluated: 2022-03-10. Review status: criteria provided, single submitter. Criteria: ACMG Guidelines, 2015. Collection method: clinical testing. Allele origin: unknown.

NM_001384732.1(CPLANE1):c.7940C>T (p.Ser2647Leu)

Gene: CPLANE1 (ciliogenesis and planar polarity effector complex subunit 1; minus strand). Cytogenetic location: 5p13.2.
Variant type: single nucleotide variant.
Coding change: c.7940C>T on transcript NM_001384732.1 (MANE Select); coding-DNA position 7940, C replaced by T.
Protein change: p.Ser2647Leu; replaces serine 2647 with leucine.
Molecular consequence: missense variant.
Genome position (GRCh38, 1-based): chr5:37,157,741, G>A on the plus strand (C>T on the coding strand, the complement: CPLANE1 is on the minus strand). VCF-style: chr5-37157741-G-A. GRCh37 (hg19) VCF-style: chr5-37157843-G-A.
Other names: c.7886C>T, p.Ser2629Leu (NM_023073.4); short protein forms S2629L, S2647L.
Identifiers: ClinVar variation 1505207 (VCV001505207.5), dbSNP rs202140926, ClinGen allele CA3237913.